The following is an entry in ClinVar:

NM_004168.4(SDHA):c.360G>T (p.Arg120Ser)

Gene: SDHA (succinate dehydrogenase complex flavoprotein subunit A; plus strand). Cytogenetic location: 5p15.33.
Variant type: single nucleotide variant.
Coding change: c.360G>T on transcript NM_004168.4 (MANE Select); coding-DNA position 360, G replaced by T.
Protein change: p.Arg120Ser; replaces arginine 120 with serine.
Molecular consequence: missense variant. On other transcripts: intron variant (1).
Genome position (GRCh38, 1-based): chr5:225,466, G>T. VCF-style: chr5-225466-G-T. GRCh37 (hg19) VCF-style: chr5-225581-G-T.
Other names: c.360G>T, p.Arg120Ser (NM_001330758.2); c.313-417G>T (NM_001294332.2); short protein forms R120S.
Identifiers: ClinVar variation 1733219 (VCV001733219.2), dbSNP rs1247649190, ClinGen allele CA359009304.

ClinVar aggregate classification (germline): Uncertain significance (1 of 4 stars; one submission).

Conditions:
Hereditary cancer-predisposing syndrome. Also called: Neoplastic Syndromes, Hereditary; Tumor predisposition; Hereditary Cancer Syndrome; Hereditary neoplastic syndrome. Identifiers: Orphanet 140162, MedGen C0027672, MeSH D009386, MONDO:0015356.

Submission:

Ambry Genetics
Classification: Uncertain significance for Hereditary cancer-predisposing syndrome. Last evaluated: 2022-06-15. Review status: criteria provided, single submitter. Criteria: Ambry Variant Classification Scheme 2023. Collection method: clinical testing. Allele origin: germline.
Comment: The p.R120S variant (also known as c.360G>T), located in coding exon 4 of the SDHA gene, results from a G to T substitution at nucleotide position 360. The arginine at codon 120 is replaced by serine, an amino acid with dissimilar properties. This amino acid position is conserved. In addition, the in silico prediction for this alteration is inconclusive. Since supporting evidence is limited at this time, the clinical significance of this alteration remains unclear.